The following is an entry in ClinVar:

ClinVar aggregate classification (germline): Conflicting classifications of pathogenicity. Review status: criteria provided, conflicting classifications (1 of 4 stars). 6 submissions from 6 submitters: Uncertain significance (5); Benign (1). Last evaluated 2025-10-06.

Conditions:
Juvenile polyposis syndrome (JPS). Identifiers: Orphanet 2929, MedGen C0345893, MONDO:0017380, OMIM 174900.
Hereditary cancer-predisposing syndrome. Also called: Tumor predisposition; Neoplastic Syndromes, Hereditary; Hereditary Cancer Syndrome; Hereditary neoplastic syndrome. Identifiers: Orphanet 140162, MedGen C0027672, MeSH D009386, MONDO:0015356.

Allele frequency attached by ClinVar (database versions not stated): gnomAD 0.00001; TOPMed 0.00001; ExAC 0.00002; gnomAD exomes 0.00002 and 0.00003.

Submissions (6):

Labcorp Genetics (formerly Invitae), Labcorp
Classification: Uncertain significance for Juvenile polyposis syndrome. Last evaluated: 2025-10-06. Review status: criteria provided, single submitter. Criteria: Invitae Variant Classification Sherloc (09022015). Collection method: clinical testing. Allele origin: germline.
Comment: This sequence change replaces arginine, which is basic and polar, with histidine, which is basic and polar, at codon 191 of the BMPR1A protein (p.Arg191His). This variant is present in population databases (rs746231785, gnomAD 0.01%). This variant has not been reported in the literature in individuals affected with BMPR1A-related conditions. ClinVar contains an entry for this variant (Variation ID: 418763). Invitae Evidence Modeling incorporating data from in vitro experimental studies (internal data) indicates that this missense variant is expected to disrupt BMPR1A function with a positive predictive value of 95%. In summary, the available evidence is currently insufficient to determine the role of this variant in disease. Therefore, it has been classified as a Variant of Uncertain Significance.

All of Us Research Program, National Institutes of Health
Classification: Uncertain significance for Juvenile polyposis syndrome. Last evaluated: 2024-04-25. Review status: criteria provided, single submitter. Criteria: ACMG Guidelines, 2015. Collection method: clinical testing. Allele origin: germline. Inheritance: Autosomal dominant inheritance. Observed: 4 variant alleles, 4 heterozygotes.
Comment: This missense variant replaces arginine with histidine at codon 191 of the BMPR1A protein. Computational prediction suggests that this variant may not impact protein structure and function (internally defined REVEL score threshold <= 0.5, PMID: 27666373). To our knowledge, functional studies have not been reported for this variant. This variant has not been reported in individuals affected with BMPR1A-related disorders in the literature. This variant has been identified in 6/251342 chromosomes in the general population by the Genome Aggregation Database (gnomAD). The available evidence is insufficient to determine the role of this variant in disease conclusively. Therefore, this variant is classified as a Variant of Uncertain Significance.

This study involves interpretation of variants in research participants for the purpose of population health screening. Participant phenotype was not available at the time of variant classification. Additional details can be found in publication PMID: 35346344, PMCID: PMC8962531

Color Diagnostics, LLC DBA Color Health
Classification: Uncertain significance for Hereditary cancer-predisposing syndrome. Last evaluated: 2024-04-10. Review status: criteria provided, single submitter. Criteria: ACMG Guidelines, 2015. Collection method: clinical testing. Allele origin: germline.
Comment: This missense variant replaces arginine with histidine at codon 191 of the BMPR1A protein. Computational prediction suggests that this variant may not impact protein structure and function (internally defined REVEL score threshold <= 0.5, PMID: 27666373). To our knowledge, functional studies have not been reported for this variant. This variant has not been reported in individuals affected with BMPR1A-related disorders in the literature. This variant has been identified in 6/251342 chromosomes in the general population by the Genome Aggregation Database (gnomAD). The available evidence is insufficient to determine the role of this variant in disease conclusively. Therefore, this variant is classified as a Variant of Uncertain Significance.

Ambry Genetics
Classification: Benign for Hereditary cancer-predisposing syndrome. Last evaluated: 2023-05-17. Review status: criteria provided, single submitter. Criteria: Ambry Variant Classification Scheme 2023. Collection method: clinical testing. Allele origin: germline.

GeneDx
Classification: Uncertain significance. Last evaluated: 2023-04-26. Review status: criteria provided, single submitter. Criteria: GeneDx Variant Classification Process June 2021. Collection method: clinical testing. Allele origin: germline. Affected: yes.
Comment: In silico analysis supports that this missense variant does not alter protein structure/function; Not observed in any cases, but was observed in unaffected controls from a melanoma study (Pritchard et al., 2018); This variant is associated with the following publications: (PMID: 29950348, 29641532)

Women's Health and Genetics/Laboratory Corporation of America, LabCorp
Classification: Uncertain significance. Last evaluated: 2022-11-25. Review status: criteria provided, single submitter. Criteria: LabCorp Variant Classification Summary - May 2015. Collection method: clinical testing. Allele origin: germline.
Comment: Variant summary: BMPR1A c.572G>A (p.Arg191His) results in a non-conservative amino acid change in the encoded protein sequence. Three of five in-silico tools predict a benign effect of the variant on protein function. The variant allele was found at a frequency of 2.4e-05 in 251342 control chromosomes (gnomAD). The available data on variant occurrences in the general population are insufficient to allow any conclusion about variant significance. c.572G>A has been reported in the literature in an individual affected with colorectal cancer, without strong evidence for causality (e.g. Din_2018). This report does not provide unequivocal conclusions about association of the variant with Juvenile Polyposis Syndrome or other BMPR1A-related disorders. To our knowledge, no experimental evidence demonstrating an impact on protein function has been reported. Four clinical diagnostic laboratories have submitted clinical-significance assessments for this variant to ClinVar after 2014 and all classified the variant as uncertain significance. Based on the evidence outlined above, the variant was classified as uncertain significance.

Literature cited by the submitters: PubMed 29641532 (cited by Ambry Genetics); PubMed 29950348 (cited by Women's Health and Genetics/Laboratory Corporation of America, LabCorp).

NM_004329.3(BMPR1A):c.572G>A (p.Arg191His)

Gene: BMPR1A (bone morphogenetic protein receptor type 1A; plus strand). Cytogenetic location: 10q23.2.
Variant type: single nucleotide variant.
Coding change: c.572G>A on transcript NM_004329.3 (MANE Select); coding-DNA position 572, G replaced by A.
Protein change: p.Arg191His; replaces arginine 191 with histidine.
Molecular consequence: missense variant.
Genome position (GRCh38, 1-based): chr10:86,912,281, G>A. VCF-style: chr10-86912281-G-A. GRCh37 (hg19) VCF-style: chr10-88672038-G-A.
Other names: short protein forms R191H.
Identifiers: ClinVar variation 418763 (VCV000418763.26), dbSNP rs746231785, ClinGen allele CA5585558.